The following is an entry in ClinVar:

ClinVar aggregate classification (germline): Uncertain significance (1 of 4 stars; one submission).

Submission:

GeneDx
Classification: Uncertain significance. Last evaluated: 2025-03-23. Review status: criteria provided, single submitter. Criteria: GeneDx Variant Classification Process June 2021. Collection method: clinical testing. Allele origin: germline. Affected: yes.
Comment: Not observed at significant frequency in large population cohorts (gnomAD); In silico analysis indicates that this missense variant does not alter protein structure/function; Has not been previously published as pathogenic or benign to our knowledge

NM_173495.3(PTCHD1):c.330T>A (p.His110Gln)

Gene: PTCHD1 (patched domain containing 1; plus strand). Cytogenetic location: Xp22.11.
Variant type: single nucleotide variant.
Coding change: c.330T>A on transcript NM_173495.3 (MANE Select); coding-DNA position 330, T replaced by A.
Protein change: p.His110Gln; replaces histidine 110 with glutamine.
Molecular consequence: missense variant.
Genome position (GRCh38, 1-based): chrX:23,335,205, T>A. VCF-style: chrX-23335205-T-A. GRCh37 (hg19) VCF-style: chrX-23353322-T-A.
Other names: short protein forms H110Q.
Identifiers: ClinVar variation 4088157 (VCV004088157.1).